The following is an entry in ClinVar:

ClinVar aggregate classification (germline): Uncertain significance (1 of 4 stars; one submission).

Allele frequency attached by ClinVar (database versions not stated): gnomAD exomes below 0.00001; TOPMed below 0.00001.
gnomAD v4.1: 2 of 1,613,226 alleles (0.00012%); highest among the groups gnomAD compares: Non-Finnish European, 0.00017%; no homozygotes.

Submission:

Labcorp Genetics (formerly Invitae), Labcorp
Classification: Uncertain significance. Last evaluated: 2022-06-13. Review status: criteria provided, single submitter. Criteria: Invitae Variant Classification Sherloc (09022015). Collection method: clinical testing. Allele origin: germline.
Comment: In summary, the available evidence is currently insufficient to determine the role of this variant in disease. Therefore, it has been classified as a Variant of Uncertain Significance. Algorithms developed to predict the effect of missense changes on protein structure and function (SIFT, PolyPhen-2, Align-GVGD) all suggest that this variant is likely to be disruptive. This variant has not been reported in the literature in individuals affected with MPDZ-related conditions. This variant is not present in population databases (gnomAD no frequency). This sequence change replaces glycine, which is neutral and non-polar, with glutamic acid, which is acidic and polar, at codon 782 of the MPDZ protein (p.Gly782Glu).

NM_001378778.1(MPDZ):c.2345G>A (p.Gly782Glu)

Gene: MPDZ (multiple PDZ domain crumbs cell polarity complex component; minus strand). Cytogenetic location: 9p23.
Variant type: single nucleotide variant.
Coding change: c.2345G>A on transcript NM_001378778.1 (MANE Select); coding-DNA position 2345, G replaced by A.
Protein change: p.Gly782Glu; replaces glycine 782 with glutamic acid.
Molecular consequence: missense variant.
Genome position (GRCh38, 1-based): chr9:13,188,803, C>T on the plus strand (G>A on the coding strand, the complement: MPDZ is on the minus strand). VCF-style: chr9-13188803-C-T. GRCh37 (hg19) VCF-style: chr9-13188802-C-T.
Other names: c.2345G>A, p.Gly782Glu (NM_001375413.1, NM_001375416.1, NM_001375417.1 and 14 more transcripts); short protein forms G782E.
Identifiers: ClinVar variation 2001014 (VCV002001014.4), dbSNP rs1009668158, ClinGen allele CA189283254.